The following is an entry in ClinVar:

ClinVar aggregate classification (germline): Uncertain significance (1 of 4 stars; one submission).

Submission:

Labcorp Genetics (formerly Invitae), Labcorp
Classification: Uncertain significance. Last evaluated: 2025-07-08. Review status: criteria provided, single submitter. Criteria: Invitae Variant Classification Sherloc (09022015). Collection method: clinical testing. Allele origin: germline.
Comment: This sequence change replaces lysine, which is basic and polar, with glutamine, which is neutral and polar, at codon 1576 of the POLE protein (p.Lys1576Gln). This variant is not present in population databases (gnomAD no frequency). This variant has not been reported in the literature in individuals affected with POLE-related conditions. An algorithm developed to predict the effect of missense changes on protein structure and function (PolyPhen-2) suggests that this variant is likely to be disruptive. In summary, the available evidence is currently insufficient to determine the role of this variant in disease. Therefore, it has been classified as a Variant of Uncertain Significance.

NM_006231.4(POLE):c.4726A>C (p.Lys1576Gln)

Gene: POLE (DNA polymerase epsilon, catalytic subunit; minus strand). Cytogenetic location: 12q24.33.
Variant type: single nucleotide variant.
Coding change: c.4726A>C on transcript NM_006231.4 (MANE Select); coding-DNA position 4726, A replaced by C.
Protein change: p.Lys1576Gln; replaces lysine 1576 with glutamine.
Molecular consequence: missense variant.
Genome position (GRCh38, 1-based): chr12:132,642,822, T>G on the plus strand (A>C on the coding strand, the complement: POLE is on the minus strand). VCF-style: chr12-132642822-T-G. GRCh37 (hg19) VCF-style: chr12-133219408-T-G.
Other names: short protein forms K1576Q.
Identifiers: ClinVar variation 4704355 (VCV004704355.1).